The following is an entry in ClinVar:

ClinVar aggregate classification (germline): Pathogenic (1 of 4 stars; one submission).

Conditions:
GNPTAB-mucolipidosis. Also called: UDP-N-acetylglucosamine-1-phosphotransferase subunit alpha/beta deficiency. Identifiers: MedGen CN322573, MONDO:0100122.

Submission:

Myriad Genetics, Inc.
Classification: Pathogenic for GNPTAB-mucolipidosis. Last evaluated: 2025-04-02. Review status: criteria provided, single submitter. Criteria: Myriad Autosomal Dominant, Autosomal Recessive and X-Linked Classification Criteria (2023). Collection method: clinical testing. Allele origin: unknown.
Comment: NM_024312.4(GNPTAB):c.523_524delAA(N175Pfs*11) is expected to be pathogenic in the context of GNPTAB-related disorders. This variant is predicted to lead to an abnormal or absent protein product due to the creation of a premature termination codon in GNPTAB, a gene where loss-of-function variants are known to be pathogenic. Please note: this variant was assessed in the context of healthy population screening.

NM_024312.5(GNPTAB):c.523_524del (p.Asn175fs)

Gene: GNPTAB (N-acetylglucosamine-1-phosphate transferase subunits alpha and beta; minus strand). Cytogenetic location: 12q23.2.
Variant type: Deletion.
Coding change: c.523_524del on transcript NM_024312.5 (MANE Select); coding-DNA positions 523 to 524, 2 bases deleted (AA; older notation c.523_524delAA).
Protein change: p.Asn175fs; shifts the reading frame from asparagine 175.
Molecular consequence: frameshift variant.
Genome position (GRCh38, 1-based): chr12:101,786,059-101,786,060, TT deleted on the plus strand (AA on the coding strand, the reverse complement: GNPTAB is on the minus strand); deleting any 2 consecutive bases within chr12:101,786,059-101,786,064 gives the same sequence; the c. name uses the placement nearest the transcript's 3' end. VCF-style (leftmost placement, unchanged base first): chr12-101786058-GTT-G. GRCh37 (hg19) VCF-style: chr12-102179836-GTT-G.
Other names: short protein forms N175fs.
Identifiers: ClinVar variation 5014293 (VCV005014293.1).
Genomic context (GRCh38, chr12:101,786,058, plus strand): 5'-TAAAAAGATCTTACCATCCTTAGTACTGTCAAAAACAACAACTGAGACATTGGTAGAAGG[GTT>G]TTTTGGTTTTGCAACATTGAAAATGTCACTGGCAGAATGAAAAGAAGGATAAAGAGATGG-3'